The following is an entry in ClinVar:

ClinVar aggregate classification (germline): Uncertain significance (1 of 4 stars; one submission).

Allele frequency attached by ClinVar (database versions not stated): gnomAD exomes below 0.00001 and 0.00001; TOPMed below 0.00001; ExAC 0.00001; gnomAD 0.00001.
gnomAD v4.1: 5 of 1,613,512 alleles (0.00031%); highest among the groups gnomAD compares: Admixed American, 0.0083%; no homozygotes.

Submission:

GeneDx
Classification: Uncertain significance. Last evaluated: 2017-07-06. Review status: criteria provided, single submitter. Criteria: GeneDx Variant Classification (06012015). Collection method: clinical testing. Allele origin: germline. Affected: yes.
Comment: The M535I variant has not been published as a pathogenic variant, nor has it been reported as a benign variant to our knowledge. The M535I variant is not observed at a significant frequency in large population cohorts (Lek et al., 2016; 1000 Genomes Consortium et al., 2015; Exome Variant Server). The M535I variant is a conservative amino acid substitution, which is not likely to impact secondary protein structure as these residues share similar properties. This substitution occurs at a position where amino acids with similar properties to Methionine are tolerated across species. In silico analysis is inconsistent in its predictions as to whether or not the variant is damaging to the protein structure/function. In summary, based on the currently available information, it is unclear whether this variant is a pathogenic variant or a rare benign variant.

NM_002633.3(PGM1):c.1605G>C (p.Met535Ile)

Gene: PGM1 (phosphoglucomutase 1; plus strand). Cytogenetic location: 1p31.3.
Variant type: single nucleotide variant.
Coding change: c.1605G>C on transcript NM_002633.3 (MANE Select); coding-DNA position 1605, G replaced by C.
Protein change: p.Met535Ile; replaces methionine 535 with isoleucine.
Molecular consequence: missense variant.
Genome position (GRCh38, 1-based): chr1:63,659,591, G>C. VCF-style: chr1-63659591-G-C. GRCh37 (hg19) VCF-style: chr1-64125262-G-C.
Other names: c.1659G>C, p.Met553Ile (NM_001172818.1); c.1014G>C, p.Met338Ile (NM_001172819.2); short protein forms M535I, M338I, M553I.
Identifiers: ClinVar variation 450074 (VCV000450074.2), dbSNP rs745729340, ClinGen allele CA889933.
Genomic context (GRCh38, chr1:63,659,591, plus strand): 5'-AAGCATCTGTGTTTAGAGGAAGTGATGGAAAAGCTTCTCTCTATGTCTTCCTCAGGTCAT[G>C]TTGGCCCCCCTTATTTCCATTGCTCTGAAAGTGTCCCAGCTGCAGGAGAGGACGGGACGC-3'
Protein context (NP_002624.2, residues 525-545): VAKINQDPQV[Met535Ile]LAPLISIALK